The following is an entry in ClinVar:

NM_002693.3(POLG):c.2524C>T (p.Pro842Ser)

Gene: POLG (DNA polymerase gamma, catalytic subunit; minus strand). Cytogenetic location: 15q26.1.
Variant type: single nucleotide variant.
Coding change: c.2524C>T on transcript NM_002693.3 (MANE Select); coding-DNA position 2524, C replaced by T.
Protein change: p.Pro842Ser; replaces proline 842 with serine.
Molecular consequence: missense variant.
Genome position (GRCh38, 1-based): chr15:89,321,810, G>A on the plus strand (C>T on the coding strand, the complement: POLG is on the minus strand). VCF-style: chr15-89321810-G-A. GRCh37 (hg19) VCF-style: chr15-89865041-G-A.
Other names: c.2524C>T, p.Pro842Ser (NM_001126131.2); short protein forms P842S.
Identifiers: ClinVar variation 4823381 (VCV004823381.5).
Genomic context (GRCh38, chr15:89,321,810, plus strand): 5'-CGGTGAGCCATGTGGGCTCCACAGCCCGGCGAGTGATGGTGCCGGCAGTCACCACTTGGG[G>A]CAGGATGGCCCCATAGAGGCCTTCCTCATCATAGTCGGGGTGCCTGGTGGGGTGCAGGGG-3'
Protein context (NP_002684.1, residues 832-852): DEEGLYGAIL[Pro842Ser]QVVTAGTITR

ClinVar aggregate classification (germline): Uncertain significance. Review status: criteria provided, multiple submitters, no conflicts (2 of 4 stars). 2 submissions from 2 submitters: Uncertain significance (2). Last evaluated 2026-04-01.

Submissions (2):

CeGaT Center for Human Genetics Tuebingen
Classification: Uncertain significance. Last evaluated: 2026-04-01. Review status: criteria provided, single submitter. Criteria: CeGaT Center For Human Genetics Tuebingen Variant Classification Criteria Version 2. Collection method: clinical testing. Allele origin: germline. Affected: yes. Observed: 3 variant alleles.
Comment: POLG: PM2, PM3, PP3

Blueprint Genetics
Classification: Uncertain significance. Last evaluated: 2023-04-04. Review status: criteria provided, single submitter. Criteria: ACMG Guidelines, 2015. Collection method: clinical testing. Allele origin: germline.